The following is an entry in ClinVar:

ClinVar aggregate classification (germline): Uncertain significance (1 of 4 stars; one submission).

Submission:

Labcorp Genetics (formerly Invitae), Labcorp
Classification: Uncertain significance. Last evaluated: 2025-12-13. Review status: criteria provided, single submitter. Criteria: Invitae Variant Classification Sherloc (09022015). Collection method: clinical testing. Allele origin: germline.
Comment: This sequence change replaces glutamic acid, which is acidic and polar, with lysine, which is basic and polar, at codon 154 of the LZTR1 protein (p.Glu154Lys). This variant is present in population databases (no rsID available, gnomAD 0.0009%). This variant has not been reported in the literature in individuals affected with LZTR1-related conditions. Invitae Evidence Modeling of protein sequence and biophysical properties (such as structural, functional, and spatial information, amino acid conservation, physicochemical variation, residue mobility, and thermodynamic stability) indicates that this missense variant is not expected to disrupt LZTR1 protein function with a negative predictive value of 80%. In summary, the available evidence is currently insufficient to determine the role of this variant in disease. Therefore, it has been classified as a Variant of Uncertain Significance.

NM_006767.4(LZTR1):c.460G>A (p.Glu154Lys)

Gene: LZTR1 (leucine zipper like post translational regulator 1; plus strand). Cytogenetic location: 22q11.21.
Variant type: single nucleotide variant.
Coding change: c.460G>A on transcript NM_006767.4 (MANE Select); coding-DNA position 460, G replaced by A.
Protein change: p.Glu154Lys; replaces glutamic acid 154 with lysine.
Molecular consequence: missense variant.
Genome position (GRCh38, 1-based): chr22:20,988,069, G>A. VCF-style: chr22-20988069-G-A. GRCh37 (hg19) VCF-style: chr22-21342358-G-A.
Other names: short protein forms E154K.
Identifiers: ClinVar variation 4694659 (VCV004694659.1).
Genomic context (GRCh38, chr22:20,988,069, plus strand): 5'-GGGGGTTACACTGGGGACATTTATTCCAATTCTAACTTGAAGAATAAAAACGACCTCTTT[G>A]AATACAAGTTTGCAACTGGCCAGTGGACGGAGTGGAAAATTGAAGGACGGTGAGAAACTT-3'
Protein context (NP_006758.2, residues 144-164): SNLKNKNDLF[Glu154Lys]YKFATGQWTE